The following is an entry in ClinVar:

ClinVar aggregate classification (germline): Pathogenic (1 of 4 stars; one submission).

Submission:

Labcorp Genetics (formerly Invitae), Labcorp
Classification: Pathogenic. Last evaluated: 2025-09-20. Review status: criteria provided, single submitter. Criteria: Invitae Variant Classification Sherloc (09022015). Collection method: clinical testing. Allele origin: germline.
Comment: This sequence change creates a premature translational stop signal (p.Glu399Glyfs*38) in the ALPK3 gene. It is expected to result in an absent or disrupted protein product. Loss-of-function variants in ALPK3 are known to be pathogenic (PMID: 21441111, 26846950, 27106955, 34263907). This variant is not present in population databases (gnomAD no frequency). This variant has not been reported in the literature in individuals affected with ALPK3-related conditions. For these reasons, this variant has been classified as Pathogenic.

Literature cited by the submitters: PubMed 21441111; PubMed 26846950; PubMed 27106955; PubMed 34263907.

NM_020778.5(ALPK3):c.570_589dup (p.Glu197fs)

Gene: ALPK3 (alpha kinase 3; plus strand). Cytogenetic location: 15q25.3.
Variant type: Duplication.
Coding change: c.570_589dup on transcript NM_020778.5 (MANE Select); coding-DNA positions 570 to 589, 20 bases duplicated (GGCAAAGCTGCGCGAGATCG).
Protein change: p.Glu197fs; shifts the reading frame from glutamic acid 197.
Molecular consequence: frameshift variant.
Genome position (GRCh38, 1-based): chr15:84,839,849-84,839,868, GGCAAAGCTGCGCGAGATCG duplicated. VCF-style (leftmost placement, unchanged base first): chr15-84839848-C-CGGCAAAGCTGCGCGAGATCG. GRCh37 (hg19) VCF-style: chr15-85383079-C-CGGCAAAGCTGCGCGAGATCG.
Other names: short protein forms E197fs.
Identifiers: ClinVar variation 4727514 (VCV004727514.1).